The following is an entry in ClinVar:

NM_002609.4(PDGFRB):c.950G>A (p.Arg317Gln)

Gene: PDGFRB (platelet derived growth factor receptor beta; minus strand). Cytogenetic location: 5q32.
Variant type: single nucleotide variant.
Coding change: c.950G>A on transcript NM_002609.4 (MANE Select); coding-DNA position 950, G replaced by A.
Protein change: p.Arg317Gln; replaces arginine 317 with glutamine.
Molecular consequence: missense variant.
Genome position (GRCh38, 1-based): chr5:150,132,927, C>T on the plus strand (G>A on the coding strand, the complement: PDGFRB is on the minus strand). VCF-style: chr5-150132927-C-T. GRCh37 (hg19) VCF-style: chr5-149512490-C-T.
Other names: c.758G>A, p.Arg253Gln (NM_001355016.2); c.467G>A, p.Arg156Gln (NM_001355017.2); short protein forms R156Q, R317Q, R253Q.
Identifiers: ClinVar variation 1938797 (VCV001938797.5), dbSNP rs1443597666, ClinGen allele CA361720657.

ClinVar aggregate classification (germline): Uncertain significance (1 of 4 stars; one submission).

Conditions:
Skeletal overgrowth-craniofacial dysmorphism-hyperelastic skin-white matter lesions syndrome. Also called: SKELETAL OVERGROWTH WITH FACIAL DYSMORPHISM, HYPERELASTIC SKIN, WHITE MATTER LESIONS, AND NEUROLOGIC DETERIORATION; Kosaki overgrowth syndrome. Identifiers: Orphanet 477831, MedGen C4225270, MONDO:0014704, OMIM 616592.
Basal ganglia calcification, idiopathic, 4 (PFBC4). Also called: PRIMARY FAMILIAL BRAIN CALCIFICATION 4, AUTOSOMAL DOMINANT; Familial Idiopathic Basal Ganglia Calcification 4. Identifiers: Orphanet 1980, MedGen C3554321, MONDO:0014004, OMIM 615007.
Acroosteolysis-keloid-like lesions-premature aging syndrome. Also called: Premature aging syndrome, Penttinen type; Prematurely aged appearance, delayed bone maturation, acro-osteolysis, and brachydactyly; Progeroid syndrome, Penttinen type. Identifiers: Orphanet 363665, MedGen C1866182, MONDO:0011150, OMIM 601812.
Infantile myofibromatosis (IMF). Also called: Congenital generalized fibromatosis. Identifiers: Orphanet 2591, MedGen C0432284, MONDO:0016824.

Allele frequency attached by ClinVar (database versions not stated): gnomAD exomes 0.00001.
gnomAD v4.1: 9 of 1,561,262 alleles (0.00058%); highest among the groups gnomAD compares: South Asian, 0.0012%; no homozygotes.

Submission:

Labcorp Genetics (formerly Invitae), Labcorp
Classification: Uncertain significance for Basal ganglia calcification, idiopathic, 4; Skeletal overgrowth-craniofacial dysmorphism-hyperelastic skin-white matter lesions syndrome; Infantile myofibromatosis; Acroosteolysis-keloid-like lesions-premature aging syndrome. Last evaluated: 2022-08-10. Review status: criteria provided, single submitter. Criteria: Invitae Variant Classification Sherloc (09022015). Collection method: clinical testing. Allele origin: germline.
Comment: In summary, the available evidence is currently insufficient to determine the role of this variant in disease. Therefore, it has been classified as a Variant of Uncertain Significance. Advanced modeling of protein sequence and biophysical properties (such as structural, functional, and spatial information, amino acid conservation, physicochemical variation, residue mobility, and thermodynamic stability) performed at Invitae indicates that this missense variant is not expected to disrupt PDGFRB protein function. This variant has not been reported in the literature in individuals affected with PDGFRB-related conditions. This variant is present in population databases (no rsID available, gnomAD 0.007%). This sequence change replaces arginine, which is basic and polar, with glutamine, which is neutral and polar, at codon 317 of the PDGFRB protein (p.Arg317Gln).